The following is an entry in ClinVar:

ClinVar aggregate classification (germline): Conflicting classifications of pathogenicity. Review status: criteria provided, conflicting classifications (1 of 4 stars). 4 submissions from 4 submitters: Uncertain significance (2); Benign (1); Likely benign (1). Last evaluated 2025-07-16.

Conditions:
Tuberous sclerosis syndrome (TSC). Also called: Tuberous Sclerosis Complex; Tuberous sclerosis. Identifiers: Orphanet 805, MedGen C0041341, MONDO:0001734.
Tuberous sclerosis 1 (TSC1). Identifiers: Orphanet 805, MedGen C1854465, MONDO:0008612, OMIM 191100.
Hereditary cancer-predisposing syndrome. Also called: Hereditary neoplastic syndrome; Neoplastic Syndromes, Hereditary; Tumor predisposition; Hereditary Cancer Syndrome. Identifiers: Orphanet 140162, MedGen C0027672, MeSH D009386, MONDO:0015356.

Allele frequency attached by ClinVar (database versions not stated): TOPMed below 0.00001.

Submissions (4):

Labcorp Genetics (formerly Invitae), Labcorp
Classification: Benign for Tuberous sclerosis 1. Last evaluated: 2025-07-16. Review status: criteria provided, single submitter. Criteria: Invitae Variant Classification Sherloc (09022015). Collection method: clinical testing. Allele origin: germline.

Color Diagnostics, LLC DBA Color Health
Classification: Uncertain significance for Tuberous sclerosis syndrome. Last evaluated: 2025-06-24. Review status: criteria provided, single submitter. Criteria: ACMG Guidelines, 2015. Collection method: clinical testing. Allele origin: germline.
Comment: This missense variant replaces serine with asparagine at codon 1038 of the TSC1 protein. Computational prediction suggests that this variant may not impact protein structure and function. To our knowledge, functional studies have not been reported for this variant. This variant has not been reported in individuals affected with TSC1-related disorders in the literature. This variant has not been identified in the general population by the Genome Aggregation Database (gnomAD). The available evidence is insufficient to determine the role of this variant in disease conclusively. Therefore, this variant is classified as a Variant of Uncertain Significance.

Ambry Genetics
Classification: Likely benign for Hereditary cancer-predisposing syndrome. Last evaluated: 2025-01-27. Review status: criteria provided, single submitter. Criteria: Ambry Variant Classification Scheme 2023. Collection method: clinical testing. Allele origin: germline.

All of Us Research Program, National Institutes of Health
Classification: Uncertain significance for Tuberous sclerosis syndrome. Last evaluated: 2023-11-30. Review status: criteria provided, single submitter. Criteria: ACMG Guidelines, 2015. Collection method: clinical testing. Allele origin: germline. Inheritance: Autosomal dominant inheritance. Observed: 1 variant allele, 1 heterozygote.
Comment: This study involves interpretation of variants in research participants for the purpose of population health screening. Participant phenotype was not available at the time of variant classification. Additional details can be found in publication PMID: 35346344, PMCID: PMC8962531

NM_000368.5(TSC1):c.3113G>A (p.Ser1038Asn)

Gene: TSC1 (TSC complex subunit 1; minus strand). Cytogenetic location: 9q34.13.
Variant type: single nucleotide variant.
Coding change: c.3113G>A on transcript NM_000368.5 (MANE Select); coding-DNA position 3113, G replaced by A.
Protein change: p.Ser1038Asn; replaces serine 1038 with asparagine.
Molecular consequence: missense variant.
Genome position (GRCh38, 1-based): chr9:132,896,617, C>T on the plus strand (G>A on the coding strand, the complement: TSC1 is on the minus strand). VCF-style: chr9-132896617-C-T. GRCh37 (hg19) VCF-style: chr9-135772004-C-T.
Other names: c.3110G>A, p.Ser1037Asn (NM_001162426.2); c.2960G>A, p.Ser987Asn (NM_001162427.2); c.2750G>A, p.Ser917Asn (NM_001362177.2); short protein forms S1038N, S987N, S1037N, S917N.
Identifiers: ClinVar variation 411216 (VCV000411216.14), dbSNP rs1060503196, ClinGen allele CA16612560.
Genomic context (GRCh38, chr9:132,896,617, plus strand): 5'-GGGCCTGCCCTCTGGTGTGGGGGTTTCTCTGGGGTAGAAAGCTCGCTGCTGCTGCTGCTG[C>T]TGCCTCCACCACCTCTGCTTCCACTACTGCCCCGGGCGCTGCTGGGCCTGGGGGTCTTGG-3'
Protein context (NP_000359.1, residues 1028-1048): GSSGSRGGGG[Ser1038Asn]SSSSSELSTP